The following is an entry in ClinVar:

NM_180989.6(GPR180):c.574T>C (p.Leu192=)

Gene: GPR180 (G protein-coupled receptor 180; plus strand). Cytogenetic location: 13q32.1.
Variant type: single nucleotide variant.
Coding change: c.574T>C on transcript NM_180989.6 (MANE Select); coding-DNA position 574, T replaced by C.
Protein change: p.Leu192=; no amino-acid change (leucine 192 retained).
Molecular consequence: synonymous variant.
Genome position (GRCh38, 1-based): chr13:94,619,218, T>C. VCF-style: chr13-94619218-T-C. GRCh37 (hg19) VCF-style: chr13-95271472-T-C.
Identifiers: ClinVar variation 3047227 (VCV003047227.2), dbSNP rs1001952172, ClinGen allele CA255061205.
Genomic context (GRCh38, chr13:94,619,218, plus strand): 5'-GAGTTCTTTTTCCTCCTAGTCCTAGTGTACTTTGTGATTGCTTGCATTTATGCTCAATCA[T>C]TGTGGCAGGCTATTAAGAAAGGCGGACCCATGCACATGATTTTAAAGGTTCTGACAACTG-3'
Protein context (NP_851320.1, residues 182-202): FVIACIYAQS[Leu192=]WQAIKKGGPM

ClinVar aggregate classification (germline): Likely benign (0 of 4 stars; one submission).

Conditions:
GPR180-related disorder. Also called: GPR180-related condition.

Allele frequency attached by ClinVar (database versions not stated): TOPMed below 0.00001; gnomAD 0.00001; gnomAD exomes 0.00001.
gnomAD v4.1: 11 of 1,614,018 alleles (0.00068%); highest among the groups gnomAD compares: Non-Finnish European, 0.00085%; no homozygotes.

Submission:

PreventionGenetics, part of Exact Sciences
Classification: Likely benign for GPR180-related condition. Last evaluated: 2019-03-06. Review status: no assertion criteria provided. Collection method: clinical testing. Allele origin: germline.
Comment: This variant is classified as likely benign based on ACMG/AMP sequence variant interpretation guidelines (Richards et al. 2015 PMID: 25741868, with internal and published modifications).